The following is an entry in ClinVar:

ClinVar aggregate classification (germline): Uncertain significance. Review status: criteria provided, multiple submitters, no conflicts (2 of 4 stars). 3 submissions from 3 submitters: Uncertain significance (3). Last evaluated 2024-11-05.

Conditions:
Inborn genetic diseases. Identifiers: MedGen C0950123, MeSH D030342.

Allele frequency attached by ClinVar (database versions not stated): 1000 Genomes Project 30x 0.00031; 1000 Genomes Project 0.00040.
gnomAD v4.1: 18 of 1,569,664 alleles (0.0011%); highest among the groups gnomAD compares: Middle Eastern, 0.07%; no homozygotes.

Submissions (3):

Labcorp Genetics (formerly Invitae), Labcorp
Classification: Uncertain significance. Last evaluated: 2024-11-05. Review status: criteria provided, single submitter. Criteria: Invitae Variant Classification Sherloc (09022015). Collection method: clinical testing. Allele origin: germline.
Comment: This sequence change replaces proline, which is neutral and non-polar, with threonine, which is neutral and polar, at codon 307 of the LCA5 protein (p.Pro307Thr). The frequency data for this variant in the population databases is considered unreliable, as metrics indicate poor data quality at this position in the gnomAD database. This variant has not been reported in the literature in individuals affected with LCA5-related conditions. ClinVar contains an entry for this variant (Variation ID: 1524898). Invitae Evidence Modeling of protein sequence and biophysical properties (such as structural, functional, and spatial information, amino acid conservation, physicochemical variation, residue mobility, and thermodynamic stability) indicates that this missense variant is not expected to disrupt LCA5 protein function with a negative predictive value of 80%. In summary, the available evidence is currently insufficient to determine the role of this variant in disease. Therefore, it has been classified as a Variant of Uncertain Significance.

Ambry Genetics
Classification: Uncertain significance for Inborn genetic diseases. Last evaluated: 2023-06-30. Review status: criteria provided, single submitter. Criteria: Ambry Variant Classification Scheme 2023. Collection method: clinical testing. Allele origin: germline.

Blueprint Genetics
Classification: Uncertain significance. Last evaluated: 2021-08-16. Review status: criteria provided, single submitter. Criteria: ACMG Guidelines, 2015. Collection method: clinical testing. Allele origin: germline.

NM_001122769.3(LCA5):c.919C>A (p.Pro307Thr)

Gene: LCA5 (lebercilin LCA5; minus strand). Cytogenetic location: 6q14.1.
Variant type: single nucleotide variant.
Coding change: c.919C>A on transcript NM_001122769.3 (MANE Select); coding-DNA position 919, C replaced by A.
Protein change: p.Pro307Thr; replaces proline 307 with threonine.
Molecular consequence: missense variant.
Genome position (GRCh38, 1-based): chr6:79,492,587, G>T on the plus strand (C>A on the coding strand, the complement: LCA5 is on the minus strand). VCF-style: chr6-79492587-G-T. GRCh37 (hg19) VCF-style: chr6-80202304-G-T.
Other names: c.919C>A (NM_181714.3); c.919C>A, p.Pro307Thr (NM_181714.4); short protein forms P307T.
Identifiers: ClinVar variation 1524898 (VCV001524898.6), dbSNP rs139892282, ClinGen allele CA3900980.
Genomic context (GRCh38, chr6:79,492,587, plus strand): 5'-TTTGAACAATCATATTTACCATACCATTTTTTCTTAATGCAAGTTCTTTCTCTTTATTTG[G>T]AGAGGACTTTGGCAGACGATTAGAATATATATTTTTTATATCCAGTTCTCTCTCCTTTTC-3'
Protein context (NP_001116241.1, residues 297-317): IYSNRLPKSS[Pro307Thr]NKEKELALRK